The following is an entry in ClinVar:

NM_001110556.2(FLNA):c.5714C>T (p.Pro1905Leu)

Gene: FLNA (filamin A; minus strand). Cytogenetic location: Xq28.
Variant type: single nucleotide variant.
Coding change: c.5714C>T on transcript NM_001110556.2 (MANE Select); coding-DNA position 5714, C replaced by T.
Protein change: p.Pro1905Leu; replaces proline 1905 with leucine.
Molecular consequence: missense variant.
Genome position (GRCh38, 1-based): chrX:154,353,700, G>A on the plus strand (C>T on the coding strand, the complement: FLNA is on the minus strand). VCF-style: chrX-154353700-G-A. GRCh37 (hg19) VCF-style: chrX-153582068-G-A.
Other names: c.5690C>T, p.Pro1897Leu (NM_001456.4); short protein forms P1905L, P1897L.
Identifiers: ClinVar variation 595323 (VCV000595323.18), dbSNP rs781794030, ClinGen allele CA10560237.
Genomic context (GRCh38, chrX:154,353,700, plus strand): 5'-AGGTAGGACACGCTGCATGTCCCATCCTGGTTGTCAGTGCAGCTGATTTCTGCTTTGGAC[G>A]GGCCCTCAATGGCCAGAGACAGGCCCCCTGGAGAGAGCCGTGGGTGAGCATGGGAACTAT-3'
Protein context (NP_001104026.1, residues 1895-1915): EGGLSLAIEG[Pro1905Leu]SKAEISCTDN

ClinVar aggregate classification (germline): Uncertain significance. Review status: criteria provided, multiple submitters, no conflicts (2 of 4 stars). 3 submissions from 3 submitters: Uncertain significance (3). Last evaluated 2025-05-22.

Conditions:
Heterotopia, periventricular, X-linked dominant (PVNH1). Also called: PERIVENTRICULAR NODULAR HETEROTOPIA 4; HETEROTOPIA, PERIVENTRICULAR, 1; PERIVENTRICULAR NODULAR HETEROTOPIA 1; X-linked periventricular heterotopia. Identifiers: Orphanet 2149, Orphanet 82004, MedGen C1848213, MONDO:0010233, OMIM 300049.
Melnick-Needles syndrome (MNS). Also called: Melnick-Needles Syndrome (FLNA-MNS); MELNICK-NEEDLES OSTEODYSPLASTY; OSTEODYSPLASTY OF MELNICK AND NEEDLES. Identifiers: Orphanet 2484, MedGen C0025237, MONDO:0010650, OMIM 309350.
Frontometaphyseal dysplasia (FMD1). Identifiers: Orphanet 1826, MedGen C0265293, MONDO:0015942.
Oto-palato-digital syndrome, type II (OPD2). Also called: Otopalatodigital Syndrome Type 2 (FLNA-OPD2); Otopalatodigital Syndrome, Type II; FACIOPALATOOSSEOUS SYNDROME; OPD II SYNDROME. Identifiers: Orphanet 669, Orphanet 90652, MedGen C1844696, MONDO:0010571, OMIM 304120.

Allele frequency attached by ClinVar (database versions not stated): ExAC 0.00001; gnomAD 0.00001; gnomAD exomes 0.00001; TOPMed 0.00001.
gnomAD v4.1: 8 of 1,209,660 alleles (0.00066%); highest among the groups gnomAD compares: Non-Finnish European, 0.00089%; no homozygotes.

Submissions (3):

Labcorp Genetics (formerly Invitae), Labcorp
Classification: Uncertain significance for Oto-palato-digital syndrome, type II; Heterotopia, periventricular, X-linked dominant; Frontometaphyseal dysplasia; Melnick-Needles syndrome. Last evaluated: 2025-05-22. Review status: criteria provided, single submitter. Criteria: Invitae Variant Classification Sherloc (09022015). Collection method: clinical testing. Allele origin: germline.
Comment: This sequence change replaces proline, which is neutral and non-polar, with leucine, which is neutral and non-polar, at codon 1897 of the FLNA protein (p.Pro1897Leu). The frequency data for this variant in the population databases is considered unreliable, as metrics indicate poor data quality at this position in the gnomAD database. This variant has not been reported in the literature in individuals affected with FLNA-related conditions. ClinVar contains an entry for this variant (Variation ID: 595323). Invitae Evidence Modeling of protein sequence and biophysical properties (such as structural, functional, and spatial information, amino acid conservation, physicochemical variation, residue mobility, and thermodynamic stability) has been performed for this missense variant. However, the output from this modeling did not meet the statistical confidence thresholds required to predict the impact of this variant on FLNA protein function. In summary, the available evidence is currently insufficient to determine the role of this variant in disease. Therefore, it has been classified as a Variant of Uncertain Significance.

GeneDx
Classification: Uncertain significance. Last evaluated: 2022-11-01. Review status: criteria provided, single submitter. Criteria: GeneDx Variant Classification Process June 2021. Collection method: clinical testing. Allele origin: germline. Affected: yes.
Comment: In silico analysis supports that this missense variant has a deleterious effect on protein structure/function; Has not been previously published as pathogenic or benign to our knowledge

Eurofins Ntd Llc (ga)
Classification: Uncertain significance. Last evaluated: 2017-12-22. Review status: criteria provided, single submitter. Criteria: EGL Classification Definitions 2015. Collection method: clinical testing. Allele origin: germline. Observed: 1 variant allele, 1 hemizygote.